The following is an entry in ClinVar:

NM_030773.4(TUBB1):c.185G>A (p.Arg62Gln)

Gene: TUBB1 (tubulin beta 1 class VI; plus strand). Cytogenetic location: 20q13.32.
Variant type: single nucleotide variant.
Coding change: c.185G>A on transcript NM_030773.4 (MANE Select); coding-DNA position 185, G replaced by A.
Protein change: p.Arg62Gln; replaces arginine 62 with glutamine.
Molecular consequence: missense variant.
Genome position (GRCh38, 1-based): chr20:59,023,508, G>A. VCF-style: chr20-59023508-G-A. GRCh37 (hg19) VCF-style: chr20-57598563-G-A.
Other names: short protein forms R62Q.
Identifiers: ClinVar variation 2728996 (VCV002728996.3), dbSNP rs749343000, ClinGen allele CA316328064.

ClinVar aggregate classification (germline): Uncertain significance (1 of 4 stars; one submission).

Allele frequency attached by ClinVar (database versions not stated): gnomAD exomes 0.00001.

Submission:

Labcorp Genetics (formerly Invitae), Labcorp
Classification: Uncertain significance. Last evaluated: 2023-10-29. Review status: criteria provided, single submitter. Criteria: Invitae Variant Classification Sherloc (09022015). Collection method: clinical testing. Allele origin: germline.
Comment: This sequence change replaces arginine, which is basic and polar, with glutamine, which is neutral and polar, at codon 62 of the TUBB1 protein (p.Arg62Gln). This variant is present in population databases (rs749343000, gnomAD 0.006%). This variant has not been reported in the literature in individuals affected with TUBB1-related conditions. Advanced modeling of protein sequence and biophysical properties (such as structural, functional, and spatial information, amino acid conservation, physicochemical variation, residue mobility, and thermodynamic stability) performed at Invitae indicates that this missense variant is expected to disrupt TUBB1 protein function with a positive predictive value of 80%. In summary, the available evidence is currently insufficient to determine the role of this variant in disease. Therefore, it has been classified as a Variant of Uncertain Significance.